The following is an entry in ClinVar:

ClinVar aggregate classification (germline): Uncertain significance (1 of 4 stars; one submission).

Conditions:
Immunodeficiency 104. Also called: Severe combined immunodeficiency, autosomal recessive, T cell-negative, B cell-positive, NK cell-positive; Severe Combined Immune Deficiency, Autosomal Recessive, TCell -Negative, B Cell-Positive, NK Cell-Positive, IL7R-Related; SCID, AUTOSOMAL RECESSIVE, T CELL-NEGATIVE, B CELL-POSITIVE, NK CELL-POSITIVE; IMMUNODEFICIENCY 104, SEVERE COMBINED. Identifiers: MedGen C5676890, MONDO:0012163, OMIM 608971.

Allele frequency attached by ClinVar (database versions not stated): gnomAD exomes below 0.00001; gnomAD 0.00001; TOPMed 0.00002; 1000 Genomes Project 0.00020; 1000 Genomes Project 30x 0.00031.
gnomAD v4.1: 3 of 1,613,058 alleles (0.00019%); highest among the groups gnomAD compares: Admixed American, 0.005%; no homozygotes.

Submission:

Labcorp Genetics (formerly Invitae), Labcorp
Classification: Uncertain significance for Immunodeficiency 104. Last evaluated: 2026-01-05. Review status: criteria provided, single submitter. Criteria: Invitae Variant Classification Sherloc (09022015). Collection method: clinical testing. Allele origin: germline.
Comment: This sequence change replaces glutamine, which is neutral and polar, with proline, which is neutral and non-polar, at codon 171 of the IL7R protein (p.Gln171Pro). This variant is not present in population databases (gnomAD no frequency). This variant has not been reported in the literature in individuals affected with IL7R-related conditions. ClinVar contains an entry for this variant (Variation ID: 857072). Invitae Evidence Modeling of protein sequence and biophysical properties (such as structural, functional, and spatial information, amino acid conservation, physicochemical variation, residue mobility, and thermodynamic stability) indicates that this missense variant is not expected to disrupt IL7R protein function with a negative predictive value of 95%. In summary, the available evidence is currently insufficient to determine the role of this variant in disease. Therefore, it has been classified as a Variant of Uncertain Significance.

NM_002185.5(IL7R):c.512A>C (p.Gln171Pro)

Gene: IL7R (interleukin 7 receptor; plus strand). Cytogenetic location: 5p13.2.
Variant type: single nucleotide variant.
Coding change: c.512A>C on transcript NM_002185.5 (MANE Select); coding-DNA position 512, A replaced by C.
Protein change: p.Gln171Pro; replaces glutamine 171 with proline.
Molecular consequence: missense variant. On other transcripts: non-coding transcript variant (1).
Genome position (GRCh38, 1-based): chr5:35,871,188, A>C. VCF-style: chr5-35871188-A-C. GRCh37 (hg19) VCF-style: chr5-35871290-A-C.
Other names: short protein forms Q171P.
Identifiers: ClinVar variation 857072 (VCV000857072.8), dbSNP rs531875566, ClinGen allele CA116970676.